The following is an entry in ClinVar:

NM_152564.5(VPS13B):c.10522G>T (p.Val3508Leu)

Gene: VPS13B (vacuolar protein sorting 13 homolog B; plus strand). Cytogenetic location: 8q22.2.
Variant type: single nucleotide variant.
Coding change: c.10522G>T on transcript NM_152564.5 (MANE Select); coding-DNA position 10522, G replaced by T.
Protein change: p.Val3508Leu; replaces valine 3508 with leucine.
Molecular consequence: missense variant.
Genome position (GRCh38, 1-based): chr8:99,853,911, G>T. VCF-style: chr8-99853911-G-T. GRCh37 (hg19) VCF-style: chr8-100866139-G-T.
Other names: c.10597G>T, p.Val3533Leu (NM_017890.5); short protein forms V3508L, V3533L.
Identifiers: ClinVar variation 5001646 (VCV005001646.1).

ClinVar aggregate classification (germline): Uncertain significance (1 of 4 stars; one submission).

Conditions:
VPS13B-related disorder. Also called: VPS13B-related condition.

Submission:

PreventionGenetics, part of Exact Sciences
Classification: Uncertain significance for VPS13B-related condition. Last evaluated: 2024-11-20. Review status: criteria provided, single submitter. Criteria: ACMG Guidelines, 2015. Collection method: clinical testing. Allele origin: germline.
Comment: The VPS13B c.10522G>T variant is predicted to result in the amino acid substitution p.Val3508Leu. To our knowledge, this variant has not been reported in the literature or in a large population database (gnomAD), indicating this variant is rare. At this time, the clinical significance of this variant is uncertain due to the absence of conclusive functional and genetic evidence.